The following is an entry in ClinVar:

ClinVar aggregate classification (germline): Likely benign. Review status: criteria provided, multiple submitters, no conflicts (2 of 4 stars). 3 submissions from 3 submitters: Likely benign (2). 1 of the submissions does not count toward it. Last evaluated 2024-05-06.

Conditions:
LMNA-related disorder. Also called: LMNA-related condition; LMNA-related disease; LMNA-related disorders. Identifiers: MedGen CN380145.
Cardiomyopathy (CMYO). Also called: Cardiomyopathies. Identifiers: Orphanet 167848, MedGen C0878544, MONDO:0004994, HP:0001638. Inheritance: Various modes of inheritance.
Charcot-Marie-Tooth disease type 2. Also called: Charcot-Marie-Tooth type 2. Identifiers: Orphanet 64746, MedGen C0270914, MONDO:0018993.

gnomAD v4.1: 6 of 1,613,246 alleles (0.00037%); highest among the groups gnomAD compares: Admixed American, 0.005%; no homozygotes.

Submissions (3):

Labcorp Genetics (formerly Invitae), Labcorp
Classification: Likely benign for Charcot-Marie-Tooth disease type 2. Last evaluated: 2024-05-06. Review status: criteria provided, single submitter. Criteria: Invitae Variant Classification Sherloc (09022015). Collection method: clinical testing. Allele origin: germline.

Color Diagnostics, LLC DBA Color Health
Classification: Likely benign for Cardiomyopathy. Last evaluated: 2022-09-13. Review status: criteria provided, single submitter. Criteria: ACMG Guidelines, 2015. Collection method: clinical testing. Allele origin: germline.

PreventionGenetics, part of Exact Sciences
Classification: Likely benign for LMNA-related condition. Last evaluated: 2021-04-12. Review status: no assertion criteria provided. Collection method: clinical testing. Allele origin: germline. Not counted in ClinVar's aggregate classification.
Comment: This variant is classified as likely benign based on ACMG/AMP sequence variant interpretation guidelines (Richards et al. 2015 PMID: 25741868, with internal and published modifications).

NM_170707.4(LMNA):c.937-6C>T

Gene: LMNA (lamin A/C; plus strand). Cytogenetic location: 1q22.
Variant type: single nucleotide variant.
Coding change: c.937-6C>T on transcript NM_170707.4 (MANE Select); 6 bases into the intron before coding-DNA position 937, C replaced by T.
Molecular consequence: intron variant.
Genome position (GRCh38, 1-based): chr1:156,135,895, C>T. VCF-style: chr1-156135895-C-T. GRCh37 (hg19) VCF-style: chr1-156105686-C-T.
Other names: c.937-6C>T (NM_001282625.2, NM_001282626.2, NM_170708.4 and 1 more transcripts); c.601-6C>T (NM_001257374.3); c.694-6C>T (NM_001282624.2).
Identifiers: ClinVar variation 705149 (VCV000705149.14), dbSNP rs759083379, ClinGen allele CA054878.